The following is an entry in ClinVar:

ClinVar aggregate classification (germline): Benign. Review status: reviewed by expert panel (3 of 4 stars). 2 submissions from 2 submitters: Benign (1). 1 of the submissions does not count toward it. Last evaluated 2016-09-28.

Conditions:
Breast-ovarian cancer, familial, susceptibility to, 2 (BROVCA2). Also called: BRCA2 Hereditary Breast and Ovarian Cancer. Identifiers: Orphanet 145, MedGen C2675520, MONDO:0012933, OMIM 612555. Disease mechanism: loss of function.

Allele frequency attached by ClinVar (database versions not stated): 1000 Genomes Project 0.00300; 1000 Genomes Project 30x 0.00312; TOPMed 0.00621; gnomAD 0.00659 and 0.00680.
gnomAD v4.1: 994 of 152,254 alleles (0.65%); highest among the groups gnomAD compares: Non-Finnish European, 1.2%; 2 homozygotes.

Submissions (2):

Evidence-based Network for the Interpretation of Germline Mutant Alleles (ENIGMA)
Classification: Benign for Breast-ovarian cancer, familial, susceptibility to, 2. Last evaluated: 2016-09-28. Review status: reviewed by expert panel. Criteria: ENIGMA BRCA1/2 Classification Criteria (2015). Collection method: curation. Allele origin: germline.
Comment: Class 1 not pathogenic based on frequency >1% in an outbred sampleset. Frequency 0.0101 (Admixed American/Latino), derived from 1000 genomes (2013-05-02).

GeneDx
Classification: Likely benign. Last evaluated: 2018-07-14. Review status: criteria provided, single submitter. Criteria: GeneDx Variant Classification Process June 2021. Collection method: clinical testing. Allele origin: germline. Affected: yes. Not counted in ClinVar's aggregate classification.

NM_000059.4(BRCA2):c.682-316G>A

Gene: BRCA2 (BRCA2 DNA repair associated; plus strand). Cytogenetic location: 13q13.1.
Variant type: single nucleotide variant.
Coding change: c.682-316G>A on transcript NM_000059.4 (MANE Select); 316 bases into the intron before coding-DNA position 682, G replaced by A.
Molecular consequence: intron variant.
Genome position (GRCh38, 1-based): chr13:32,330,603, G>A. VCF-style: chr13-32330603-G-A. GRCh37 (hg19) VCF-style: chr13-32904740-G-A.
Identifiers: ClinVar variation 264959 (VCV000264959.4), dbSNP rs11571635, ClinGen allele CA10588088.